The following is an entry in ClinVar:

NM_001556.3(IKBKB):c.707G>A (p.Arg236Gln)

Gene: IKBKB (inhibitor of nuclear factor kappa B kinase subunit beta; plus strand). Cytogenetic location: 8p11.21.
Variant type: single nucleotide variant.
Coding change: c.707G>A on transcript NM_001556.3 (MANE Select); coding-DNA position 707, G replaced by A.
Protein change: p.Arg236Gln; replaces arginine 236 with glutamine.
Molecular consequence: missense variant. On other transcripts: non-coding transcript variant (3).
Genome position (GRCh38, 1-based): chr8:42,314,336, G>A. VCF-style: chr8-42314336-G-A. GRCh37 (hg19) VCF-style: chr8-42171854-G-A.
Other names: c.515G>A, p.Arg172Gln (NM_001190720.3); c.530G>A, p.Arg177Gln (NM_001242778.2); short protein forms R177Q, R172Q, R236Q.
Identifiers: ClinVar variation 2198667 (VCV002198667.4), dbSNP rs200571498, ClinGen allele CA4731781.

ClinVar aggregate classification (germline): Uncertain significance (1 of 4 stars; one submission).

Conditions:
Severe combined immunodeficiency due to IKK2 deficiency. Also called: Immunodeficiency 15; IMMUNODEFICIENCY 15B. Identifiers: Orphanet 397787, MedGen C4747743, MONDO:0014267, OMIM 615592.

Allele frequency attached by ClinVar (database versions not stated): gnomAD 0.00001; ExAC 0.00002.
gnomAD v4.1: 35 of 1,613,460 alleles (0.0022%); highest among the groups gnomAD compares: African/African-American, 0.004%; no homozygotes.

Submission:

Labcorp Genetics (formerly Invitae), Labcorp
Classification: Uncertain significance for Severe combined immunodeficiency due to IKK2 deficiency. Last evaluated: 2023-09-20. Review status: criteria provided, single submitter. Criteria: Invitae Variant Classification Sherloc (09022015). Collection method: clinical testing. Allele origin: germline.
Comment: In summary, the available evidence is currently insufficient to determine the role of this variant in disease. Therefore, it has been classified as a Variant of Uncertain Significance. Advanced modeling of protein sequence and biophysical properties (such as structural, functional, and spatial information, amino acid conservation, physicochemical variation, residue mobility, and thermodynamic stability) performed at Invitae indicates that this missense variant is not expected to disrupt IKBKB protein function. ClinVar contains an entry for this variant (Variation ID: 2198667). This variant has not been reported in the literature in individuals affected with IKBKB-related conditions. This variant is present in population databases (rs200571498, gnomAD 0.01%). This sequence change replaces arginine, which is basic and polar, with glutamine, which is neutral and polar, at codon 236 of the IKBKB protein (p.Arg236Gln).